The following is an entry in ClinVar:

NM_001365902.3(NFIX):c.988G>A (p.Asp330Asn)

Gene: NFIX (nuclear factor I X; plus strand). Cytogenetic location: 19p13.13.
Variant type: single nucleotide variant.
Coding change: c.988G>A on transcript NM_001365902.3 (MANE Select); coding-DNA position 988, G replaced by A.
Protein change: p.Asp330Asn; replaces aspartic acid 330 with asparagine.
Molecular consequence: missense variant. On other transcripts: intron variant (1).
Genome position (GRCh38, 1-based): chr19:13,078,645, G>A. VCF-style: chr19-13078645-G-A. GRCh37 (hg19) VCF-style: chr19-13189459-G-A.
Other names: c.1012G>A, p.Asp338Asn (NM_001271043.2); c.964G>A, p.Asp322Asn (NM_001271044.3, NM_001378404.1); c.847G>A, p.Asp283Asn (NM_001365983.2); c.985G>A, p.Asp329Asn (NM_001365984.2, NM_001365985.2); c.1036G>A, p.Asp346Asn (NM_001378405.1); c.988G>A, p.Asp330Asn (NM_002501.4); c.955+2974G>A (NM_001365982.2); short protein forms D330N, D338N, D283N, D329N, D322N, D346N.
Identifiers: ClinVar variation 565825 (VCV000565825.9), dbSNP rs1215112413, ClinGen allele CA404300593.

ClinVar aggregate classification (germline): Uncertain significance (1 of 4 stars; one submission).

Conditions:
Marshall-Smith syndrome (MRSHSS). Identifiers: Orphanet 561, MedGen C0265211, MONDO:0011244, OMIM 602535.
Malan overgrowth syndrome (MALNS). Also called: MALAN SYNDROME; Sotos syndrome 2; NFIX-Related Malan Syndrome. Identifiers: Orphanet 420179, MedGen C3553660, MONDO:0013885, OMIM 614753.

Submission:

Labcorp Genetics (formerly Invitae), Labcorp
Classification: Uncertain significance for Malan overgrowth syndrome; Marshall-Smith syndrome. Last evaluated: 2017-07-11. Review status: criteria provided, single submitter. Criteria: Invitae Variant Classification Sherloc (09022015). Collection method: clinical testing. Allele origin: germline.
Comment: In summary, the available evidence is currently insufficient to determine the role of this variant in disease. Therefore, it has been classified as a Variant of Uncertain Significance. Algorithms developed to predict the effect of missense changes on protein structure and function (SIFT, Align-GVGD) suggest that this variant is likely to be tolerated, but these predictions have not been confirmed by published functional studies and their clinical significance is uncertain. This variant has not been reported in the literature in individuals with NFIX-related disease. This variant is not present in population databases (ExAC no frequency). This sequence change replaces aspartic acid with asparagine at codon 338 of the NFIX protein (p.Asp338Asn). The aspartic acid residue is moderately conserved and there is a small physicochemical difference between aspartic acid and asparagine.